The following is an entry in ClinVar:

NM_001009944.3(PKD1):c.9454C>T (p.Arg3152Trp)

Gene: PKD1 (polycystin 1, transient receptor potential channel interacting; minus strand). Cytogenetic location: 16p13.3.
Variant type: single nucleotide variant.
Coding change: c.9454C>T on transcript NM_001009944.3 (MANE Select); coding-DNA position 9454, C replaced by T.
Protein change: p.Arg3152Trp; replaces arginine 3152 with tryptophan.
Molecular consequence: missense variant.
Genome position (GRCh38, 1-based): chr16:2,100,510, G>A on the plus strand (C>T on the coding strand, the complement: PKD1 is on the minus strand). VCF-style: chr16-2100510-G-A. GRCh37 (hg19) VCF-style: chr16-2150511-G-A.
Other names: c.9454C>T, p.Arg3152Trp (NM_000296.4); c.9454C>T (NM_001009944.2); short protein forms R3152W.
Identifiers: ClinVar variation 586308 (VCV000586308.7), dbSNP rs776866974, ClinGen allele CA7830083.

ClinVar aggregate classification (germline): Conflicting classifications of pathogenicity. Review status: criteria provided, conflicting classifications (1 of 4 stars). 5 submissions from 5 submitters: Likely pathogenic (1); Uncertain significance (4). Last evaluated 2026-09-11.

Conditions:
Polycystic kidney disease, adult type (PKD1). Also called: Polycystic Kidney, Autosomal Dominant; Polycystic Kidney Disease 1, Autosomal Dominant; Polycystic kidney disease 1; Polycystic kidney disease 1, severe; POLYCYSTIC KIDNEY DISEASE, ADULT, TYPE I; POLYCYSTIC KIDNEY DISEASE 1 WITH OR WITHOUT POLYCYSTIC LIVER DISEASE. Identifiers: MedGen C3149841, MONDO:0008263, OMIM 173900.
PKD1-related disorder. Also called: PKD1-related condition.

Allele frequency attached by ClinVar (database versions not stated): gnomAD exomes 0.00001 and 0.00002; ExAC 0.00002; gnomAD 0.00002 and 0.00003; TOPMed 0.00003.
gnomAD v4.1: 30 of 1,610,512 alleles (0.0019%); highest among the groups gnomAD compares: Middle Eastern, 0.022%; no homozygotes.

Submissions (5):

PreventionGenetics, part of Exact Sciences
Classification: Uncertain significance for PKD1-related condition. Last evaluated: 2026-09-11. Review status: criteria provided, single submitter. Criteria: ACMG Guidelines, 2015. Collection method: clinical testing. Allele origin: germline.
Comment: The PKD1 c.9454C>T variant is predicted to result in the amino acid substitution p.Arg3152Trp. This variant was reported in an individual with ciliopathy, but the individual also carried a pathogenic truncating variant in PKD1 (Table 3: patient #52, Vaisitti et al. 2020. PubMed ID: 33226606). This variant was also reported in trans with a small in-frame duplication variant c.10710_10715dup (p.Ala3571_Val3572dup) in an individual with early onset enlarged and hyperechogenic kidneys (Ambrosini et al. 2023. PubMed ID: 37372410). Of note, we have previously found this variant in the heterozygous state with a definitely pathogenic PKD1 variant in two newborns and one fetus with polycystic kidney disease (PKD) at PreventionGenetics (Internal Data). Therefore, this variant is highly suspected to be a hypomorphic allele. By itself, it may cause no disease or only relatively mild disease. However, in combination with other pathogenic variants in relevant genes, this type of hypomorphic allele may contribute to disease severity. Therefore, the pathogenicity of the c.9454C>T (p.Arg3152Trp) variant should be considered in the context of an individual’s other genetic findings. This variant is reported in 0.0040% of alleles in individuals of European (Finnish) descent in gnomAD. At this time, we classify it as a variant of uncertain significance.

Laboratory of Genetics, Children's Clinical University Hospital Latvia
Classification: Likely pathogenic. Last evaluated: 2025-02-16. Review status: criteria provided, single submitter. Criteria: ACMG Guidelines, 2015. Collection method: clinical testing. Allele origin: germline. Affected: yes.

Genomic Medicine Center of Excellence, King Faisal Specialist Hospital and Research Centre
Classification: Uncertain significance for Polycystic kidney disease, adult type. Last evaluated: 2024-03-26. Review status: criteria provided, single submitter. Criteria: ACMG Guidelines, 2015. Collection method: clinical testing. Allele origin: germline.

Fulgent Genetics
Classification: Uncertain significance for Polycystic kidney disease, adult type. Last evaluated: 2022-04-02. Review status: criteria provided, single submitter. Criteria: ACMG Guidelines, 2015. Collection method: clinical testing. Allele origin: unknown.

Athena Diagnostics
Classification: Uncertain significance. Last evaluated: 2018-06-25. Review status: criteria provided, single submitter. Criteria: Athena Diagnostics Criteria. Collection method: clinical testing. Allele origin: germline.